The following is an entry in ClinVar:

ClinVar aggregate classification (germline): Uncertain significance (1 of 4 stars; one submission).

Conditions:
Generalized epilepsy-paroxysmal dyskinesia syndrome (PNKD3). Also called: Paroxysmal nonkinesigenic dyskinesia, 3, with or without generalized epilepsy; Generalized epilepsy and paroxysmal dyskinesia. Identifiers: Orphanet 79137, MedGen C5574945, MONDO:0012276, OMIM 609446.

Allele frequency attached by ClinVar (database versions not stated): gnomAD exomes below 0.00001.
gnomAD v4.1: 4 of 1,614,136 alleles (0.00025%); highest among the groups gnomAD compares: Non-Finnish European, 0.00034%; no homozygotes.

Submission:

Labcorp Genetics (formerly Invitae), Labcorp
Classification: Uncertain significance for Generalized epilepsy-paroxysmal dyskinesia syndrome. Last evaluated: 2022-02-22. Review status: criteria provided, single submitter. Criteria: Invitae Variant Classification Sherloc (09022015). Collection method: clinical testing. Allele origin: germline.
Comment: This sequence change replaces asparagine, which is neutral and polar, with lysine, which is basic and polar, at codon 1159 of the KCNMA1 protein (p.Asn1159Lys). This variant is not present in population databases (gnomAD no frequency). This variant has not been reported in the literature in individuals affected with KCNMA1-related conditions. Algorithms developed to predict the effect of missense changes on protein structure and function (SIFT, PolyPhen-2, Align-GVGD) all suggest that this variant is likely to be tolerated. In summary, the available evidence is currently insufficient to determine the role of this variant in disease. Therefore, it has been classified as a Variant of Uncertain Significance.

NM_001161352.2(KCNMA1):c.3651C>G (p.Asn1217Lys)

Gene: KCNMA1 (potassium calcium-activated channel subfamily M alpha 1; minus strand). Cytogenetic location: 10q22.3.
Variant type: single nucleotide variant.
Coding change: c.3651C>G on transcript NM_001161352.2 (MANE Select); coding-DNA position 3651, C replaced by G.
Protein change: p.Asn1217Lys; replaces asparagine 1217 with lysine.
Molecular consequence: missense variant.
Genome position (GRCh38, 1-based): chr10:76,887,326, G>C on the plus strand (C>G on the coding strand, the complement: KCNMA1 is on the minus strand). VCF-style: chr10-76887326-G-C. GRCh37 (hg19) VCF-style: chr10-78647084-G-C.
Other names: c.3489C>G, p.Asn1163Lys (NM_001014797.3); c.3600C>G, p.Asn1200Lys (NM_001161353.2); c.3327C>G, p.Asn1109Lys (NM_001271518.2); c.3567C>G, p.Asn1189Lys (NM_001271519.2); c.3486C>G, p.Asn1162Lys (NM_001322829.2, NM_001322836.2); c.3579C>G, p.Asn1193Lys (NM_001322830.2); c.3477C>G, p.Asn1159Lys (NM_001322832.2, NM_001410940.1, NM_002247.4); c.3570C>G, p.Asn1190Lys (NM_001322835.2, NM_001322837.2); and 1 more; short protein forms N1159K, N1163K, N1008K, N1162K, N1190K, N1200K, N1217K, N1193K.
Identifiers: ClinVar variation 1955706 (VCV001955706.5), dbSNP rs199678989, ClinGen allele CA210076459.